The following is an entry in ClinVar:

NM_000432.4(MYL2):c.73C>G (p.Gln25Glu)

Genes: MYL2 (myosin light chain 2; minus strand), LOC114827850 (VISTA enhancer hs2149; plus strand). Cytogenetic location: 12q24.11.
Variant type: single nucleotide variant.
Coding change: c.73C>G on transcript NM_000432.4 (MANE Select); coding-DNA position 73, C replaced by G.
Protein change: p.Gln25Glu; replaces glutamine 25 with glutamic acid.
Molecular consequence: missense variant.
Genome position (GRCh38, 1-based): chr12:110,919,124, G>C on the plus strand (C>G on the coding strand, the complement: MYL2 is on the minus strand). VCF-style: chr12-110919124-G-C. GRCh37 (hg19) VCF-style: chr12-111356928-G-C.
Other names: c.73C>G, p.Gln25Glu (NM_001406745.1, NM_001406746.1); c.16C>G, p.Gln6Glu (NM_001406916.1); short protein forms Q25E, Q6E.
Identifiers: ClinVar variation 3231730 (VCV003231730.2), dbSNP rs2499814879, ClinGen allele CA386700235.
Genomic context (GRCh38, chr12:110,919,124, plus strand): 5'-GGATTTCCATCCAGGCGGATGATTCAATAGCTGCACCCACCTCCTTAAATTCCTGGATTT[G>C]GGTCTGTTCGAACATGGAGAACACGTTGGAGTTGGCGCCCCCGGCTCTCTTCTTTGCTTT-3'
Protein context (NP_000423.2, residues 15-35): SNVFSMFEQT[Gln25Glu]IQEFKEAFTI

ClinVar aggregate classification (germline): Uncertain significance. Review status: criteria provided, multiple submitters, no conflicts (2 of 4 stars). 2 submissions from 2 submitters: Uncertain significance (2). Last evaluated 2024-07-31.

Conditions:
Cardiovascular phenotype. Identifiers: MedGen CN230736.

Submissions (2):

GeneDx
Classification: Uncertain significance. Last evaluated: 2024-07-31. Review status: criteria provided, single submitter. Criteria: GeneDx Variant Classification Process June 2021. Collection method: clinical testing. Allele origin: germline. Affected: yes.
Comment: Not observed at significant frequency in large population cohorts (gnomAD); In silico analysis supports that this missense variant has a deleterious effect on protein structure/function; Identified in a patient with suspected HCM in published literature (PMID: 33673806); This variant is associated with the following publications: (PMID: 33673806)

Ambry Genetics
Classification: Uncertain significance for Cardiovascular phenotype. Last evaluated: 2023-10-23. Review status: criteria provided, single submitter. Criteria: Ambry Variant Classification Scheme 2023. Collection method: clinical testing. Allele origin: germline.
Comment: The p.Q25E variant (also known as c.73C>G), located in coding exon 2 of the MYL2 gene, results from a C to G substitution at nucleotide position 73. The glutamine at codon 25 is replaced by glutamic acid, an amino acid with highly similar properties. This alteration has been reported in a hypertrophic cardiomyopathy (HCM) cohort (Hathaway J et al. BMC Cardiovasc Disord, 2021 Mar;21:126). This amino acid position is highly conserved in available vertebrate species. In addition, the in silico prediction for this alteration is inconclusive. Since supporting evidence is limited at this time, the clinical significance of this alteration remains unclear.

Literature cited by the submitters: PubMed 33673806 (cited by Ambry Genetics).